The following is an entry in ClinVar:

NM_054012.4(ASS1):c.1168G>A (p.Gly390Arg)

Gene: ASS1 (argininosuccinate synthase 1; plus strand). Cytogenetic location: 9q34.11.
Variant type: single nucleotide variant.
Coding change: c.1168G>A on transcript NM_054012.4 (MANE Select); coding-DNA position 1168, G replaced by A.
Protein change: p.Gly390Arg; replaces glycine 390 with arginine.
Molecular consequence: missense variant.
Genome position (GRCh38, 1-based): chr9:130,499,545, G>A. VCF-style: chr9-130499545-G-A. GRCh37 (hg19) VCF-style: chr9-133374932-G-A.
Other names: p.G390R:GGG>AGG; p.(Gly390Arg); c.1168G>A, p.Gly390Arg (NM_000050.4); short protein forms G390R.
Identifiers: ClinVar variation 6329 (VCV000006329.80), dbSNP rs121908641, ClinGen allele CA253834.

ClinVar aggregate classification (germline): Pathogenic/Likely pathogenic. Review status: criteria provided, multiple submitters, no conflicts (2 of 4 stars). 29 submissions from 29 submitters: Pathogenic (23); Likely pathogenic (2). 4 of the submissions do not count toward it. Last evaluated 2026-06-01.

Conditions:
Citrullinemia. Identifiers: Orphanet 187, MedGen C0175683, MONDO:0015991.
ASS1-related disorder. Also called: ASS1-related condition.
Inborn genetic diseases. Identifiers: MedGen C0950123, MeSH D030342.
Citrullinemia type I (CTNL1). Also called: argininosuccinate synthetase deficiency; ASS DEFICIENCY. Identifiers: Orphanet 247525, MedGen C4721769, MONDO:0008988, OMIM 215700.

Allele frequency attached by ClinVar (database versions not stated): gnomAD 0.00027 and 0.00025; TOPMed 0.00026.
gnomAD v4.1: 510 of 1,613,642 alleles (0.032%); highest among the groups gnomAD compares: South Asian, 0.093%; no homozygotes.

Submissions 1 to 12 of 29:

CeGaT Center for Human Genetics Tuebingen
Classification: Pathogenic. Last evaluated: 2026-06-01. Review status: criteria provided, single submitter. Criteria: CeGaT Center For Human Genetics Tuebingen Variant Classification Criteria Version 2. Collection method: clinical testing. Allele origin: germline. Affected: yes. Observed: 5 variant alleles.
Comment: ASS1: PM3:Strong, PS1, PM2, PP3

Department of Molecular Genetics, Istishari Arab Hospital
Classification: Pathogenic for Citrullinemia type I. Last evaluated: 2026-03-10. Review status: criteria provided, single submitter. Criteria: ACMG Guidelines, 2015. Collection method: clinical testing. Allele origin: germline. Inheritance: Autosomal recessive inheritance. Affected: yes.
Comment: The ASS1 variant c.1168G>A p.(Gly390Arg) causes an amino acid change from Gly to Arg at position 390 in exon(s) no. 15 (of 16). According to HGMD Professional 2024.1, this variant has previously been described as disease-causing for Citrullinaemia (PMID:2358466, 32778825, 18473344). It is classified as pathogenic based on the implementation of the ACMG guidelines.

Labcorp Genetics (formerly Invitae), Labcorp
Classification: Pathogenic for Citrullinemia. Last evaluated: 2026-01-13. Review status: criteria provided, single submitter. Criteria: Invitae Variant Classification Sherloc (09022015). Collection method: clinical testing. Allele origin: germline.
Comment: This sequence change replaces glycine, which is neutral and non-polar, with arginine, which is basic and polar, at codon 390 of the ASS1 protein (p.Gly390Arg). This variant is present in population databases (rs121908641, gnomAD 0.1%). This missense change has been observed in individuals with citrullinemia type I (PMID: 11708871, 12815590, 18473344, 19006241, 19358837, 23430935). It has also been observed to segregate with disease in related individuals. ClinVar contains an entry for this variant (Variation ID: 6329). Invitae Evidence Modeling of protein sequence and biophysical properties (such as structural, functional, and spatial information, amino acid conservation, physicochemical variation, residue mobility, and thermodynamic stability) indicates that this missense variant is expected to disrupt ASS1 protein function with a positive predictive value of 80%. Experimental studies have shown that this missense change affects ASS1 function (PMID: 8792870, 18473344). For these reasons, this variant has been classified as Pathogenic.

Myriad Genetics, Inc.
Classification: Pathogenic for Citrullinemia type I. Last evaluated: 2025-12-08. Review status: criteria provided, single submitter. Criteria: Myriad Autosomal Dominant, Autosomal Recessive and X-Linked Classification Criteria (2023). Collection method: clinical testing. Allele origin: unknown.
Comment: NM_000050.4(ASS1):c.1168G>A(G390R) is a missense variant classified as pathogenic in the context of citrullinemia type 1. G390R has been observed in cases with relevant disease (PMID: 12815590). Relevant functional assessments of this variant are not available in the literature. G390R has been observed in referenced population frequency databases. In summary, NM_000050.4(ASS1):c.1168G>A(G390R) is a missense variant that has been observed more frequently in cases with the relevant disease than in healthy populations. Please note: this variant was assessed in the context of healthy population screening.

Natera, Inc.
Classification: Pathogenic for Citrullinemia type I. Last evaluated: 2025-12-08. Review status: criteria provided, single submitter. Criteria: Natera Variant Classification Schema (03/2026). Collection method: clinical testing. Allele origin: germline.
Comment: The c.1168G>A variant in ASS1 is a missense variant predicted to cause substitution of glycine to arginine at amino acid 390. This variant is rare in the general population with a frequency below the threshold expected for the associated phenotype(s). This variant has been observed in one or more individuals affected with the associated recessive disease, as either homozygous or compound heterozygous with a second variant (PMID: 12815590). Given the available evidence, this variant is classified as Pathogenic.

GeneDx
Classification: Pathogenic. Last evaluated: 2025-11-10. Review status: criteria provided, single submitter. Criteria: GeneDx Variant Classification Process June 2021. Collection method: clinical testing. Allele origin: germline. Affected: yes.
Comment: Published functional studies demonstrate less than 2% of wild type argininosuccinate synthetase activity (PMID: 18473344); In silico analysis supports that this missense variant has a deleterious effect on protein structure/function; This variant is associated with the following publications: (PMID: 11708871, 27287393, 22975760, 25087612, 36680390, 32447331, 36263152, 36246604, 34493867, 2358466, 16475226, 31980526, 28132756, 16421053, 28741715, 19358837, 23430935, 12815590, 19006241, 8792870, 30848473, 11941481, 7557970, 25433810, 31469252, 34426522, 32778825, 31589614, 27535533, 28097854, 18473344, 37575640)

First Genomix Gene Laboratory, Genetic Diagnostics Department
Classification: Pathogenic for Citrullinemia type I. Last evaluated: 2025-09-16. Review status: criteria provided, single submitter. Criteria: ACMG Guidelines, 2015. Collection method: clinical testing. Allele origin: germline. Inheritance: Autosomal recessive inheritance. Affected: no. Observed: 1 variant allele.

PreventionGenetics, part of Exact Sciences
Classification: Pathogenic for ASS1-related condition. Last evaluated: 2025-09-15. Review status: criteria provided, single submitter. Criteria: ACMG Guidelines, 2015. Collection method: clinical testing. Allele origin: germline.
Comment: The ASS1 c.1168G>A variant is predicted to result in the amino acid substitution p.Gly390Arg. This is the most commonly documented variant found in patients with classical type I citrullinemia (Kobayashi et al. 1990. PubMed ID: 2358466; Berning et al. 2008. PubMed ID: 18473344; Engel et al. 2009. PubMed ID: 19006241; Laróvere et al. 2009. PubMed ID: 19358837). This variant is reported in 0.11% of alleles in individuals of South Asian descent in gnomAD. This variant is interpreted as pathogenic.

3billion
Classification: Pathogenic for Citrullinemia type I. Last evaluated: 2025-08-13. Review status: criteria provided, single submitter. Criteria: ACMG Guidelines, 2015. Collection method: clinical testing. Allele origin: germline. Affected: yes.
Comment: The variant is observed at an extremely low frequency in the gnomAD v4.1.0 dataset (total allele frequency: 0.032%). Predicted Consequence/Location: Missense variant Functional studies provide strong evidence of the variant having a damaging effect on the gene or gene product (PMID: 18473344, 8792870). In silico tool predictions suggest damaging effect of the variant on gene or gene product [REVEL: 0.97 (>=0.6, sensitivity 0.68 and specificity 0.92)]. The same nucleotide change resulting in the same amino acid change has been previously reported as pathogenic/likely pathogenic with strong evidence (ClinVar ID: VCV000006329 /PMID: 2358466). The variant has been reported to be in trans with a pathogenic variant as either compound heterozygous or homozygous in at least 4 similarly affected unrelated individuals (PMID: 12815590, 19358837). The variant has been reported to co-segregate with the disease in at least one similarly affected relative/individual in the same family or similarly affected unrelated families (PMID: 12815590, 19358837). Therefore, this variant is classified as Pathogenic according to the recommendation of ACMG/AMP guideline.

Mayo Clinic Laboratories, Mayo Clinic
Classification: Pathogenic. Last evaluated: 2025-01-07. Review status: criteria provided, single submitter. Criteria: ACMG Guidelines, 2015. Collection method: clinical testing. Allele origin: germline. Observed: 1 variant allele.
Comment: PP3_strong, PM3_strong, PS3, PS4

Blueprint Genetics
Classification: Pathogenic for ASS1-related disorders. Last evaluated: 2024-11-18. Review status: criteria provided, single submitter. Criteria: ACMG Guidelines, 2015. Collection method: clinical testing. Allele origin: germline. Affected: yes. Observed: 5 variant alleles.

Laboratory for Molecular Medicine, Mass General Brigham Personalized Medicine
Classification: Pathogenic for Citrullinemia type I. Last evaluated: 2024-03-28. Review status: criteria provided, single submitter. Criteria: ACMG Guidelines, 2015. Collection method: clinical testing. Allele origin: germline. Inheritance: Autosomal recessive inheritance.
Comment: The p.Gly390Arg variant in AAS1 has been reported in >30 individuals with citrullinemia type I (both in the homozygous and compound heterozygous state) and segregated with disease in at least 5 affected relatives from 5 families. It is the most common variant identified in patients with the classical phenotype (Vilaseca 2001 PMID: 11708871, Gao 2003 PMID: 12815590, Berning 2008 PMID: 18473344, Engel 2009 PMID: 19006241, Laróvere 2009 PMID: 19358837, Laróvere 2012 PMID: 23430935). This variant has also been reported by other clinical laboratories in ClinVar (Variation ID: 6329) and has been identified in 0.06% (3/4828) of South Asian chromosomes by gnomAD (v.3.1.2). In vitro functional studies provide some evidence that this variant impacts protein function, demonstrating less than 2% of wild type argininosuccinate synthetase activity (Berning 2008 PMID: 18473344, Shaheen 1994PMID: 8792870) and computational prediction tools and conservation analyses are consistent with pathogenicity. In summary, this variant meets criteria to be classified as pathogenic for autosomal recessive citrullinemia type I. ACMG/AMP Criteria applied: PM3_Very Strong, PP1_Moderate, PS3_Supporting, PP3.